The following is an entry in ClinVar:

NM_018341.3(ERMARD):c.1745G>A (p.Arg582Lys)

Gene: ERMARD (ER membrane associated RNA degradation; plus strand). Cytogenetic location: 6q27.
Variant type: single nucleotide variant.
Coding change: c.1745G>A on transcript NM_018341.3 (MANE Select); coding-DNA position 1745, G replaced by A.
Protein change: p.Arg582Lys; replaces arginine 582 with lysine.
Molecular consequence: missense variant.
Genome position (GRCh38, 1-based): chr6:169,779,187, G>A. VCF-style: chr6-169779187-G-A. GRCh37 (hg19) VCF-style: chr6-170179283-G-A.
Other names: c.1604G>A, p.Arg535Lys (NM_001278531.2); c.1367G>A, p.Arg456Lys (NM_001278532.2); c.1526G>A, p.Arg509Lys (NM_001278533.2); c.1337G>A, p.Arg446Lys (NM_001410957.1); short protein forms R535K, R582K, R456K, R509K, R446K.
Identifiers: ClinVar variation 3672577 (VCV003672577.2).

ClinVar aggregate classification (germline): Uncertain significance (1 of 4 stars; one submission).

gnomAD v4.1: 2 of 1,613,656 alleles (0.00012%); highest among the groups gnomAD compares: Non-Finnish European, 0.00017%; no homozygotes.

Submission:

Labcorp Genetics (formerly Invitae), Labcorp
Classification: Uncertain significance. Last evaluated: 2024-01-25. Review status: criteria provided, single submitter. Criteria: Invitae Variant Classification Sherloc (09022015). Collection method: clinical testing. Allele origin: germline.
Comment: This sequence change replaces arginine, which is basic and polar, with lysine, which is basic and polar, at codon 582 of the ERMARD protein (p.Arg582Lys). This variant is not present in population databases (gnomAD no frequency). This variant has not been reported in the literature in individuals affected with ERMARD-related conditions. Advanced modeling of protein sequence and biophysical properties (such as structural, functional, and spatial information, amino acid conservation, physicochemical variation, residue mobility, and thermodynamic stability) performed at Invitae indicates that this missense variant is not expected to disrupt ERMARD protein function with a negative predictive value of 80%. In summary, the available evidence is currently insufficient to determine the role of this variant in disease. Therefore, it has been classified as a Variant of Uncertain Significance.